The following is an entry in ClinVar:

NM_144666.3(DNHD1):c.9466A>G (p.Thr3156Ala)

Gene: DNHD1 (dynein heavy chain domain 1; plus strand). Cytogenetic location: 11p15.4.
Variant type: single nucleotide variant.
Coding change: c.9466A>G on transcript NM_144666.3 (MANE Select); coding-DNA position 9466, A replaced by G.
Protein change: p.Thr3156Ala; replaces threonine 3156 with alanine.
Molecular consequence: missense variant.
Genome position (GRCh38, 1-based): chr11:6,559,230, A>G. VCF-style: chr11-6559230-A-G. GRCh37 (hg19) VCF-style: chr11-6580460-A-G.
Other names: short protein forms T3156A.
Identifiers: ClinVar variation 2641552 (VCV002641552.24), dbSNP rs1853533675, ClinGen allele CA379452040.

ClinVar aggregate classification (germline): Uncertain significance (1 of 4 stars; one submission).

gnomAD v4.1: 1 of 1,551,692 alleles (0.000064%); no homozygotes.

Submission:

CeGaT Center for Human Genetics Tuebingen
Classification: Uncertain significance. Last evaluated: 2023-09-01. Review status: criteria provided, single submitter. Criteria: CeGaT Center For Human Genetics Tuebingen Variant Classification Criteria Version 2. Collection method: clinical testing. Allele origin: germline. Affected: yes. Observed: 1 variant allele.
Comment: DNHD1: PM2, BP4